The following is an entry in ClinVar:

NM_005050.4(ABCD4):c.503C>T (p.Pro168Leu)

Gene: ABCD4 (ATP binding cassette subfamily D member 4; minus strand). Cytogenetic location: 14q24.3.
Variant type: single nucleotide variant.
Coding change: c.503C>T on transcript NM_005050.4 (MANE Select); coding-DNA position 503, C replaced by T.
Protein change: p.Pro168Leu; replaces proline 168 with leucine.
Molecular consequence: missense variant. On other transcripts: 5 prime UTR variant (9), non-coding transcript variant (10).
Genome position (GRCh38, 1-based): chr14:74,296,372, G>A on the plus strand (C>T on the coding strand, the complement: ABCD4 is on the minus strand). VCF-style: chr14-74296372-G-A. GRCh37 (hg19) VCF-style: chr14-74763075-G-A.
Other names: c.503C>T, p.Pro168Leu (NM_001353591.2, NM_001353592.2, NM_020325.3); c.242C>T, p.Pro81Leu (NM_001353593.2, NM_001353594.2); c.94C>T, p.Arg32Cys (NM_001353595.2, NM_001353596.2, NM_001353597.2); c.26C>T, p.Pro9Leu (NM_001353598.2, NM_001353599.2, NM_001353600.2 and 2 more transcripts); c.-187C>T (NM_001353602.2, NM_001353608.2); c.-192C>T (NM_001353603.2, NM_001353604.2, NM_001353605.2 and 4 more transcripts); short protein forms P81L, R32C, P168L, P9L.
Identifiers: ClinVar variation 648720 (VCV000648720.1), dbSNP rs747354548, ClinGen allele CA263575147.

ClinVar aggregate classification (germline): Uncertain significance (1 of 4 stars; one submission).

Conditions:
Methylmalonic acidemia with homocystinuria, type cblJ (MAHCJ). Also called: METHYLMALONIC ACIDURIA AND HOMOCYSTINURIA, cblJ TYPE. Identifiers: Orphanet 369955, MedGen C3553915, MONDO:0013925, OMIM 614857.

Allele frequency attached by ClinVar (database versions not stated): gnomAD exomes 0.00002 and 0.00004; gnomAD 0.00003 and 0.00004; TOPMed 0.00006.

Submission:

Labcorp Genetics (formerly Invitae), Labcorp
Classification: Uncertain significance for METHYLMALONIC ACIDURIA AND HOMOCYSTINURIA, cblJ TYPE. Last evaluated: 2018-12-17. Review status: criteria provided, single submitter. Criteria: Invitae Variant Classification Sherloc (09022015). Collection method: clinical testing. Allele origin: germline.
Comment: This sequence change replaces proline with leucine at codon 168 of the ABCD4 protein (p.Pro168Leu). The proline residue is highly conserved and there is a moderate physicochemical difference between proline and leucine. This variant is not present in population databases (ExAC no frequency). This variant has not been reported in the literature in individuals with ABCD4-related conditions. Algorithms developed to predict the effect of missense changes on protein structure and function (SIFT, PolyPhen-2, Align-GVGD) all suggest that this variant is likely to be disruptive, but these predictions have not been confirmed by published functional studies and their clinical significance is uncertain. In summary, the available evidence is currently insufficient to determine the role of this variant in disease. Therefore, it has been classified as a Variant of Uncertain Significance.